The following is an entry in ClinVar:

ClinVar aggregate classification (germline): Likely pathogenic (1 of 4 stars; one submission).

Conditions:
Distal myopathy with posterior leg and anterior hand involvement. Also called: WILLIAMS DISTAL MYOPATHY. Identifiers: Orphanet 63273, MedGen C3279722, MONDO:0013550, OMIM 614065.
Myofibrillar myopathy 5. Also called: Filaminopathy (type); FILAMINOPATHY, AUTOSOMAL DOMINANT. Identifiers: Orphanet 171445, MedGen C1836050, MONDO:0012289, OMIM 609524.
Hypertrophic cardiomyopathy 26. Also called: Cardiomyopathy, familial hypertrophic, 26. Identifiers: Orphanet 75249, MedGen C4310749, MONDO:0014883, OMIM 617047.

Submission:

Juno Genomics, Hangzhou Juno Genomics, Inc
Classification: Likely pathogenic for Hypertrophic cardiomyopathy 26; Distal myopathy with posterior leg and anterior hand involvement; Myofibrillar myopathy 5. Review status: criteria provided, single submitter. Criteria: ACMG Guidelines, 2015. Collection method: clinical testing. Allele origin: germline.
Comment: Absent from controls (or at extremely low frequency if recessive) in Genome Aggregation Database.;Null variant in a gene where loss of function (LOF) is a known mechanism of disease.

NM_001458.5(FLNC):c.5137A>T (p.Lys1713Ter)

Gene: FLNC (filamin C; plus strand). Cytogenetic location: 7q32.1.
Variant type: single nucleotide variant.
Coding change: c.5137A>T on transcript NM_001458.5 (MANE Select); coding-DNA position 5137, A replaced by T.
Protein change: p.Lys1713Ter; replaces lysine 1713 with a stop codon.
Molecular consequence: nonsense.
Genome position (GRCh38, 1-based): chr7:128,849,516, A>T. VCF-style: chr7-128849516-A-T. GRCh37 (hg19) VCF-style: chr7-128489570-A-T.
Other names: c.5137A>T, p.Lys1713Ter (NM_001127487.2); short protein forms K1713*.
Identifiers: ClinVar variation 3382750 (VCV003382750.3).